The following is an entry in ClinVar:

NM_000038.6(APC):c.1973A>T (p.Glu658Val)

Gene: APC (APC regulator of Wnt signaling pathway; plus strand). Cytogenetic location: 5q22.2.
Variant type: single nucleotide variant.
Coding change: c.1973A>T on transcript NM_000038.6 (MANE Select); coding-DNA position 1973, A replaced by T.
Protein change: p.Glu658Val; replaces glutamic acid 658 with valine.
Molecular consequence: missense variant.
Genome position (GRCh38, 1-based): chr5:112,837,567, A>T. VCF-style: chr5-112837567-A-T. GRCh37 (hg19) VCF-style: chr5-112173264-A-T.
Other names: c.1973A>T, p.Glu658Val (NM_001127510.3, NM_001354895.2); c.1919A>T, p.Glu640Val (NM_001127511.3); c.2027A>T, p.Glu676Val (NM_001354896.2); c.2003A>T, p.Glu668Val (NM_001354897.2); c.1898A>T, p.Glu633Val (NM_001354898.2); c.1889A>T, p.Glu630Val (NM_001354899.2); c.1850A>T, p.Glu617Val (NM_001354900.2); c.1796A>T, p.Glu599Val (NM_001354901.2); and 5 more; short protein forms E557V, E599V, E633V, E375V, E567V, E658V, E668V, E676V.
Identifiers: ClinVar variation 1462404 (VCV001462404.8), dbSNP rs777980327, ClinGen allele CA030542.
Genomic context (GRCh38, chr5:112,837,567, plus strand): 5'-ATACACATTGTGACCTTAATTTTGTGATCTCTTGATTTTATTTCAGGCAAATCCTAAGAG[A>T]GAACAACTGTCTACAAACTTTATTACAACACTTAAAATCTCATAGTTTGACAATAGTCAG-3'
Protein context (NP_000029.2, residues 648-668): TNEDHRQILR[Glu658Val]NNCLQTLLQH

ClinVar aggregate classification (germline): Uncertain significance. Review status: criteria provided, multiple submitters, no conflicts (2 of 4 stars). 2 submissions from 2 submitters: Uncertain significance (2). Last evaluated 2022-07-15.

Conditions:
Hereditary cancer-predisposing syndrome. Also called: Tumor predisposition; Hereditary neoplastic syndrome; Hereditary Cancer Syndrome; Neoplastic Syndromes, Hereditary. Identifiers: Orphanet 140162, MedGen C0027672, MeSH D009386, MONDO:0015356.
Familial adenomatous polyposis 1 (FAP1). Also called: FAMILIAL ADENOMATOUS POLYPOSIS 1, ATTENUATED; POLYPOSIS, ADENOMATOUS INTESTINAL. Identifiers: MedGen C2713442, MONDO:0021056, OMIM 175100. Disease mechanism: loss of function.

Allele frequency attached by ClinVar (database versions not stated): gnomAD exomes below 0.00001; TOPMed below 0.00001; ExAC 0.00001; gnomAD 0.00001.
gnomAD v4.1: 3 of 1,612,710 alleles (0.00019%); highest among the groups gnomAD compares: Non-Finnish European, 0.00025%; no homozygotes.

Submissions (2):

Ambry Genetics
Classification: Uncertain significance for Hereditary cancer-predisposing syndrome. Last evaluated: 2022-07-15. Review status: criteria provided, single submitter. Criteria: Ambry Variant Classification Scheme 2023. Collection method: clinical testing. Allele origin: germline.
Comment: The p.E658V variant (also known as c.1973A>T), located in coding exon 15 of the APC gene, results from an A to T substitution at nucleotide position 1973. The glutamic acid at codon 658 is replaced by valine, an amino acid with dissimilar properties. This amino acid position is conserved. In addition, in silico predictors for this gene do not accurately predict pathogenicity. Since supporting evidence is limited at this time, the clinical significance of this alteration remains unclear.

Labcorp Genetics (formerly Invitae), Labcorp
Classification: Uncertain significance for Familial adenomatous polyposis 1. Last evaluated: 2021-09-20. Review status: criteria provided, single submitter. Criteria: Invitae Variant Classification Sherloc (09022015). Collection method: clinical testing. Allele origin: germline.
Comment: This variant is present in population databases (rs777980327, ExAC 0.002%). This sequence change replaces glutamic acid with valine at codon 658 of the APC protein (p.Glu658Val). The glutamic acid residue is highly conserved and there is a moderate physicochemical difference between glutamic acid and valine. Algorithms developed to predict the effect of missense changes on protein structure and function are either unavailable or do not agree on the potential impact of this missense change (SIFT: "Deleterious"; PolyPhen-2: "Benign"; Align-GVGD: "Class C25"). In summary, the available evidence is currently insufficient to determine the role of this variant in disease. Therefore, it has been classified as a Variant of Uncertain Significance. This variant has not been reported in the literature in individuals affected with APC-related conditions.